The following is an entry in ClinVar:

ClinVar aggregate classification (germline): Uncertain significance. Review status: criteria provided, multiple submitters, no conflicts (2 of 4 stars). 2 submissions from 2 submitters: Uncertain significance (2). Last evaluated 2026-08-06.

Conditions:
Hemoglobin, high altitude adaptation (HALAH). Identifiers: MedGen C1836778, OMIM 609070.

Allele frequency attached by ClinVar (database versions not stated): TOPMed below 0.00001.

Submissions (2):

OLLIN Analises Genomicas, OLLIN
Classification: Uncertain significance for Hemoglobin, high altitude adaptation. Last evaluated: 2026-08-06. Review status: criteria provided, single submitter. Criteria: ACMG Guidelines 2015 PMID 25741868. Collection method: clinical testing. Allele origin: germline.
Comment: This missense variant, located in exon 1 (of 5), has been reported in ClinVar (accession VCV002450386.2) and in gnomAD with an allele frequency of 0.00013%. However, to our knowledge, it has not been reported in the scientific literature. In silico analysis is inconclusive regarding the impact of this variant. According to the currently available evidence, this variant has been classified as uncertain significance (PM2_P).

Ambry Genetics
Classification: Uncertain significance. Last evaluated: 2024-02-16. Review status: criteria provided, single submitter. Criteria: Ambry Variant Classification Scheme 2023. Collection method: clinical testing. Allele origin: germline.
Comment: The p.R18W variant (also known as c.52C>T), located in coding exon 1 of the EGLN1 gene, results from a C to T substitution at nucleotide position 52. The arginine at codon 18 is replaced by tryptophan, an amino acid with dissimilar properties. This amino acid position is conserved. In addition, the in silico prediction for this alteration is inconclusive. Since supporting evidence is limited at this time, the clinical significance of this alteration remains unclear.

NM_022051.3(EGLN1):c.52C>T (p.Arg18Trp)

Gene: EGLN1 (egl-9 family hypoxia inducible factor 1; minus strand). Cytogenetic location: 1q42.2.
Variant type: single nucleotide variant.
Coding change: c.52C>T on transcript NM_022051.3 (MANE Select); coding-DNA position 52, C replaced by T.
Protein change: p.Arg18Trp; replaces arginine 18 with tryptophan.
Molecular consequence: missense variant.
Genome position (GRCh38, 1-based): chr1:231,421,837, G>A on the plus strand (C>T on the coding strand, the complement: EGLN1 is on the minus strand). VCF-style: chr1-231421837-G-A. GRCh37 (hg19) VCF-style: chr1-231557583-G-A.
Other names: c.52C>T, p.Arg18Trp (NM_001377260.1, NM_001377261.1); short protein forms R18W.
Identifiers: ClinVar variation 1746692 (VCV001746692.3), dbSNP rs1656632143, ClinGen allele CA345239304.
Genomic context (GRCh38, chr1:231,421,837, plus strand): 5'-TGCGGCAGCGGCTGCAGCGCAGCAGGTTCTCCATCTTCCCGCACAGCTCGCAGTACTGCC[G>A]GTCTCGCTCGCTCGGGCTCGGCCCGCCGGGCCCGCCGCTGTCATTGGCCATGGCGGCGGC-3'
Protein context (NP_071334.1, residues 8-28): PGGPSPSERD[Arg18Trp]QYCELCGKME